The following is an entry in ClinVar:

NM_005045.4(RELN):c.9448G>T (p.Asp3150Tyr)

Genes: SLC26A5-AS1 (SLC26A5 antisense RNA 1; plus strand), RELN (reelin; minus strand), LOC126860130 (BRD4-independent group 4 enhancer GRCh37_chr7:103130126-103131325; plus strand). Cytogenetic location: 7q22.1.
Variant type: single nucleotide variant.
Coding change: c.9448G>T on transcript NM_005045.4 (MANE Select); coding-DNA position 9448, G replaced by T.
Protein change: p.Asp3150Tyr; replaces aspartic acid 3150 with tyrosine.
Molecular consequence: missense variant.
Genome position (GRCh38, 1-based): chr7:103,490,825, C>A on the plus strand (G>T on the coding strand, the complement: RELN is on the minus strand). VCF-style: chr7-103490825-C-A. GRCh37 (hg19) VCF-style: chr7-103131272-C-A.
Other names: c.9448G>T, p.Asp3150Tyr (NM_173054.3); short protein forms D3150Y.
Identifiers: ClinVar variation 2933954 (VCV002933954.4), dbSNP rs2485717873, ClinGen allele CA368745963.

ClinVar aggregate classification (germline): Uncertain significance. Review status: criteria provided, multiple submitters, no conflicts (2 of 4 stars). 2 submissions from 2 submitters: Uncertain significance (2). Last evaluated 2024-12-16.

Conditions:
Familial temporal lobe epilepsy 7. Identifiers: Orphanet 101046, MedGen C4225327, MONDO:0014639, OMIM 616436.
Norman-Roberts syndrome (LIS2). Also called: Lissencephaly 2 (Norman-Roberts type). Identifiers: Orphanet 89844, MedGen C0796089, MONDO:0009760, OMIM 257320.

Submissions (2):

Women's Health and Genetics/Laboratory Corporation of America, LabCorp
Classification: Uncertain significance. Last evaluated: 2024-12-16. Review status: criteria provided, single submitter. Criteria: LabCorp Variant Classification Summary - May 2015. Collection method: clinical testing. Allele origin: germline.
Comment: Variant summary: RELN c.9448G>T (p.Asp3150Tyr) results in a non-conservative amino acid change in the encoded protein sequence. Four of five in-silico tools predict a damaging effect of the variant on protein function. The variant was absent in 251240 control chromosomes. The available data on variant occurrences in the general population are insufficient to allow any conclusion about variant significance. To our knowledge, no occurrence of c.9448G>T in individuals affected with Epilepsy Familial Temporal Lobe 7 and no experimental evidence demonstrating its impact on protein function have been reported. ClinVar contains an entry for this variant (Variation ID: 2933954). Based on the evidence outlined above, the variant was classified as uncertain significance.

Labcorp Genetics (formerly Invitae), Labcorp
Classification: Uncertain significance for Familial temporal lobe epilepsy 7; Norman-Roberts syndrome. Last evaluated: 2022-12-30. Review status: criteria provided, single submitter. Criteria: Invitae Variant Classification Sherloc (09022015). Collection method: clinical testing. Allele origin: germline.
Comment: In summary, the available evidence is currently insufficient to determine the role of this variant in disease. Therefore, it has been classified as a Variant of Uncertain Significance. Advanced modeling of protein sequence and biophysical properties (such as structural, functional, and spatial information, amino acid conservation, physicochemical variation, residue mobility, and thermodynamic stability) performed at Invitae indicates that this missense variant is not expected to disrupt RELN protein function. This variant has not been reported in the literature in individuals affected with RELN-related conditions. This variant is not present in population databases (gnomAD no frequency). This sequence change replaces aspartic acid, which is acidic and polar, with tyrosine, which is neutral and polar, at codon 3150 of the RELN protein (p.Asp3150Tyr).